The following is an entry in ClinVar:

NM_001035.3(RYR2):c.2945A>G (p.Asp982Gly)

Gene: RYR2 (ryanodine receptor 2; plus strand). Cytogenetic location: 1q43.
Variant type: single nucleotide variant.
Coding change: c.2945A>G on transcript NM_001035.3 (MANE Select); coding-DNA position 2945, A replaced by G.
Protein change: p.Asp982Gly; replaces aspartic acid 982 with glycine.
Molecular consequence: missense variant.
Genome position (GRCh38, 1-based): chr1:237,548,469, A>G. VCF-style: chr1-237548469-A-G. GRCh37 (hg19) VCF-style: chr1-237711769-A-G.
Other names: c.2945A>G, p.Asp982Gly (LRG_402t1); short protein forms D982G.
Identifiers: ClinVar variation 653185 (VCV000653185.18), dbSNP rs1461569961, ClinGen allele CA345393502.

ClinVar aggregate classification (germline): Uncertain significance. Review status: criteria provided, multiple submitters, no conflicts (2 of 4 stars). 4 submissions from 4 submitters: Uncertain significance (4). Last evaluated 2025-03-20.

Conditions:
Catecholaminergic polymorphic ventricular tachycardia 1. Also called: RYR2-Related Catecholaminergic Polymorphic Ventricular Tachycardia; VENTRICULAR TACHYCARDIA, STRESS-INDUCED POLYMORPHIC 1; VENTRICULAR TACHYCARDIA, CATECHOLAMINERGIC POLYMORPHIC, 1, WITH OR WITHOUT ATRIAL DYSFUNCTION AND/OR DILATED CARDIOMYOPATHY. Identifiers: Orphanet 3286, MedGen C1631597, MONDO:0011484, OMIM 604772.
Cardiovascular phenotype. Identifiers: MedGen CN230736.
Cardiomyopathy (CMYO). Also called: Cardiomyopathies. Identifiers: Orphanet 167848, MedGen C0878544, MONDO:0004994, HP:0001638. Inheritance: Various modes of inheritance.

Allele frequency attached by ClinVar (database versions not stated): gnomAD 0.00001; gnomAD exomes 0.00001 and 0.00002.
gnomAD v4.1: 24 of 1,613,886 alleles (0.0015%); highest among the groups gnomAD compares: Non-Finnish European, 0.0019%; no homozygotes.

Submissions (4):

Labcorp Genetics (formerly Invitae), Labcorp
Classification: Uncertain significance for Catecholaminergic polymorphic ventricular tachycardia 1. Last evaluated: 2025-03-20. Review status: criteria provided, single submitter. Criteria: Invitae Variant Classification Sherloc (09022015). Collection method: clinical testing. Allele origin: germline.
Comment: This sequence change replaces aspartic acid, which is acidic and polar, with glycine, which is neutral and non-polar, at codon 982 of the RYR2 protein (p.Asp982Gly). This variant is present in population databases (no rsID available, gnomAD 0.002%). This variant has not been reported in the literature in individuals affected with RYR2-related conditions. ClinVar contains an entry for this variant (Variation ID: 653185). Invitae Evidence Modeling of protein sequence and biophysical properties (such as structural, functional, and spatial information, amino acid conservation, physicochemical variation, residue mobility, and thermodynamic stability) indicates that this missense variant is expected to disrupt RYR2 protein function with a positive predictive value of 95%. In summary, the available evidence is currently insufficient to determine the role of this variant in disease. Therefore, it has been classified as a Variant of Uncertain Significance.

Color Diagnostics, LLC DBA Color Health
Classification: Uncertain significance for Cardiomyopathy. Last evaluated: 2024-07-26. Review status: criteria provided, single submitter. Criteria: ACMG Guidelines, 2015. Collection method: clinical testing. Allele origin: germline.
Comment: This missense variant replaces aspartic acid with glycine at codon 982 of the RYR2 protein. Computational prediction suggests that this variant may have deleterious impact on protein structure and function. To our knowledge, functional studies have not been reported for this variant. This variant has not been reported in individuals affected with RYR2-related disorders in the literature. This variant has been identified in 2/249120 chromosomes in the general population by the Genome Aggregation Database (gnomAD). The available evidence is insufficient to determine the role of this variant in disease conclusively. Therefore, this variant is classified as a Variant of Uncertain Significance.

Ambry Genetics
Classification: Uncertain significance for Cardiovascular phenotype. Last evaluated: 2023-08-23. Review status: criteria provided, single submitter. Criteria: Ambry Variant Classification Scheme 2023. Collection method: clinical testing. Allele origin: germline.
Comment: The p.D982G variant (also known as c.2945A>G), located in coding exon 26 of the RYR2 gene, results from an A to G substitution at nucleotide position 2945. The aspartic acid at codon 982 is replaced by glycine, an amino acid with similar properties. This amino acid position is highly conserved in available vertebrate species. In addition, this alteration is predicted to be deleterious by in silico analysis. Since supporting evidence is limited at this time, the clinical significance of this alteration remains unclear.

GeneDx
Classification: Uncertain significance. Last evaluated: 2019-05-06. Review status: criteria provided, single submitter. Criteria: GeneDx Variant Classification Process June 2021. Collection method: clinical testing. Allele origin: germline. Affected: yes.
Comment: Has not been previously published as pathogenic or benign to our knowledge; Not observed at a significant frequency in large population cohorts (Lek et al., 2016); In silico analysis, which includes protein predictors and evolutionary conservation, supports a deleterious effect; Is not located in one of the three hot-spot regions of the RYR2 gene, where the majority of pathogenic missense variants occur (Medeiros-Domingo et al., 2009)